The following is an entry in ClinVar:

ClinVar aggregate classification (germline): Pathogenic (1 of 4 stars; one submission).

Submission:

Quest Diagnostics Nichols Institute San Juan Capistrano
Classification: Pathogenic. Last evaluated: 2024-09-13. Review status: criteria provided, single submitter. Criteria: ACMG/ClinGen CNV Guidelines, 2019. Collection method: clinical testing. Allele origin: unknown.
Comment: This loss involves four protein-coding genes, including CTNNA1 (OMIM 116805). Haploinsufficiency of CTNNA1 has been associated with autosomal dominant hereditary diffuse gastric cancer (Clark 2020, Rehm 2015). There are no similar copy number losses of this region in the general populations of the Database of Genomic Variants. Thus, this copy number variant (CNV) is classified as pathogenic for adult-onset hereditary diffuse gastric cancer. References: Clark et al., Genet Med. 2020 May;22(5):840-846. PMID: 32051609 Kleffmann et al., Mol Syndromol. 2012 Aug;3(2):68-75. PMID: 23326251 Rehm et al., N Engl J Med. 2015 Jun 4;372(23):2235-42. PMID: 26014595

GRCh37/hg19 5q31.2(chr5:138022624-138613554)x1

Genes: CTNNA1 (catenin alpha 1; plus strand), LRRTM2 (leucine rich repeat transmembrane neuronal 2; minus strand), MATR3 (matrin 3; plus strand), SIL1 (SIL1 nucleotide exchange factor; minus strand), SNHG4 (small nucleolar RNA host gene 4; plus strand). Cytogenetic location: 5q31.2.
Variant type: copy number loss.
Change: copy number 1 (one copy instead of two) of chr5:138,022,624-138,613,554 (590.9 kb, GRCh37 coordinates, 1-based), cytogenetic band 5q31.2.
Identifiers: ClinVar variation 4682635 (VCV004682635.1).